The following is an entry in ClinVar:

NM_003859.3(DPM1):c.678+6C>A

Genes: DPM1 (dolichyl-phosphate mannosyltransferase subunit 1, catalytic; minus strand), ADNP-AS1 (ADNP antisense RNA 1; plus strand). Cytogenetic location: 20q13.13.
Variant type: single nucleotide variant.
Coding change: c.678+6C>A on transcript NM_003859.3 (MANE Select); 6 bases into the intron after coding-DNA position 678, C replaced by A.
Molecular consequence: intron variant.
Genome position (GRCh38, 1-based): chr20:50,936,142, G>T on the plus strand (C>A on the coding strand, the complement: DPM1 is on the minus strand). VCF-style: chr20-50936142-G-T. GRCh37 (hg19) VCF-style: chr20-49552679-G-T.
Other names: c.609+6C>A (NM_001317036.1); c.759+6C>A (NM_001317035.1); c.783+6C>A (NM_001317034.1).
Identifiers: ClinVar variation 2093760 (VCV002093760.1), dbSNP rs186831786, ClinGen allele CA9909023.

ClinVar aggregate classification (germline): Uncertain significance (1 of 4 stars; one submission).

Conditions:
Congenital disorder of glycosylation type 1E (CDG1E). Also called: CONGENITAL DISORDER OF GLYCOSYLATION, TYPE Ie; CDG Ie. Identifiers: Orphanet 79322, MedGen C1837396, MONDO:0012123, OMIM 608799.

Allele frequency attached by ClinVar (database versions not stated): ExAC 0.00001; gnomAD 0.00001; 1000 Genomes Project 0.00020; 1000 Genomes Project 30x 0.00031.

Submission:

Labcorp Genetics (formerly Invitae), Labcorp
Classification: Uncertain significance for Congenital disorder of glycosylation type 1E. Last evaluated: 2022-04-16. Review status: criteria provided, single submitter. Criteria: Invitae Variant Classification Sherloc (09022015). Collection method: clinical testing. Allele origin: germline.
Comment: This sequence change falls in intron 8 of the DPM1 gene. It does not directly change the encoded amino acid sequence of the DPM1 protein. It affects a nucleotide within the consensus splice site. This variant is present in population databases (rs186831786, gnomAD 0.007%). This variant has not been reported in the literature in individuals affected with DPM1-related conditions. Variants that disrupt the consensus splice site are a relatively common cause of aberrant splicing (PMID: 17576681, 9536098). Algorithms developed to predict the effect of sequence changes on RNA splicing suggest that this variant is not likely to affect RNA splicing. In summary, the available evidence is currently insufficient to determine the role of this variant in disease. Therefore, it has been classified as a Variant of Uncertain Significance.

Literature cited by the submitters: PubMed 17576681; PubMed 9536098.